The following is an entry in ClinVar:

ClinVar aggregate classification (germline): Pathogenic/Likely pathogenic. Review status: criteria provided, multiple submitters, no conflicts (2 of 4 stars). 6 submissions from 6 submitters: Pathogenic (5); Likely pathogenic (1). Last evaluated 2025-09-03.

Conditions:
FLT4-related disorder. Also called: FLT4-related condition.
Non-immune hydrops fetalis (NIHF). Also called: Fetal edema; Idiopathic hydrops fetalis; Familial non-immune hydrops fetalis. Identifiers: Orphanet 363999, MedGen C0455988, MONDO:0009369, OMIM 236750, HP:0001790.
Hereditary lymphedema type I (LMPHM1). Also called: Nonne-Milroy disease; Congenital hereditary lymphedema; Early onset lymphedema; Hereditary lymphedema 1; Primary congenital lymphedema; Meige's disease. Identifiers: Orphanet 79452, MedGen C1704423, MONDO:0007919, OMIM 153100.
FLT4-related disorders.

Submissions (6):

PreventionGenetics, part of Exact Sciences
Classification: Pathogenic for FLT4-related condition. Last evaluated: 2025-09-03. Review status: criteria provided, single submitter. Criteria: ACMG Guidelines, 2015. Collection method: clinical testing. Allele origin: germline.
Comment: The FLT4 c.3121C>T variant is predicted to result in the amino acid substitution p.Arg1041Trp. This variant, and other substitutions of amino acid residue p.Arg1041, including p.Arg1041Gln, p.Arg1041Pro, and p.Arg1041Gly have been reported to be causative for lymphedema (Evans et al. 2003. PubMed ID: 12960217; Karkkainen et al. 2000. PubMed ID: 10835628; Mendola et al. 2013. PubMed ID: 24167460). Evidence for the pathogenicity of these variants is strong given that they are all rare and in some cases, show cosegregation with disease through multiple generations (Evans et al. 2003. PubMed ID: 12960217). These variants are also predicted to inactivate the tyrosine kinase domain of the FLT4 protein (i.e. VEGFR3) that is required for function (Evans et al. 2003. PubMed ID: 12960217; Karkkainen et al. 2000. PubMed ID: 10835628). This variant has not been reported in a large population database (gnomAD), indicating this variant is rare. This variant is interpreted as pathogenic.

Victorian Clinical Genetics Services, Murdoch Childrens Research Institute
Classification: Pathogenic for Hereditary lymphedema type I. Last evaluated: 2025-08-20. Review status: criteria provided, single submitter. Criteria: ACMG Guidelines, 2015. Collection method: clinical testing. Allele origin: germline. Affected: yes.
Comment: This variant is classified as Pathogenic. Evidence in support of pathogenic classification: Variant is absent from gnomAD (v2, v3 and v4); This variant has strong previous evidence of pathogenicity in unrelated individuals. This variant has been classified as likely pathogenic and pathogenic (ClinVar). This variant has also been reported in the literature in multiple heterozygous individuals with lymphoedema, including one de novo occurrence (PMID: 34681005, 24167460, 12960217, 31564432, 17250670, 33027564); Other missense variant(s) comparable to the one identified in this case have strong previous evidence for pathogenicity. p.(Arg1041Gln) and p.(Arg1041Pro) have been classified as pathogenic/likely pathogenic and likely pathogenic in ClinVar, respectively. p.(Arg1041Gly) has been reported in the literature in at least one individual with lymphoedema (PMID: 24167460); Additional information: Variant is predicted to result in a missense amino acid change from arginine to tryptophan; This variant is heterozygous; This gene is associated with autosomal dominant disease; Alternative amino acid change(s) at the same position are present in gnomAD (highest allele count: v4: 1 heterozygote(s), 0 homozygote(s)); Dominant negative and loss of function are known mechanisms of disease in this gene and are associated with lymphatic malformation 1 (MIM#153100) and congenital heart defects, multiple types 7 (MIM#618780), respectively (PMID: 20301417, 30232381); The condition associated with this gene has incomplete penetrance. Incomplete penetrance has been reported for both phenotypes associated with this gene (PMID: 30232381, 30582441, 20301417); Variants in this gene are known to have variable expressivity. Both interfamilial and intrafamilial variable expressivity have been reported for lymphatic malformation associated with this gene (PMID: 20301417).

GeneDx
Classification: Pathogenic. Last evaluated: 2024-07-02. Review status: criteria provided, single submitter. Criteria: GeneDx Variant Classification Process June 2021. Collection method: clinical testing. Allele origin: germline. Affected: yes.
Comment: Not observed at significant frequency in large population cohorts (gnomAD); In silico analysis supports that this missense variant has a deleterious effect on protein structure/function; This variant is associated with the following publications: (PMID: 33027564, 31564432, 36538874, 11114740, 10835628, 34681005, 17250670, 34645491, 12960217, 19002718, 23074044)

Genomic Medicine Lab, University of California San Francisco
Classification: Pathogenic for Non-immune hydrops fetalis. Last evaluated: 2019-12-18. Review status: criteria provided, single submitter. Criteria: ACMG Guidelines, 2015. Collection method: clinical testing. Allele origin: paternal. Affected: yes.
Comment: A heterozygous missense variant in the FLT4 gene (c.3121C>T) was identified at chromosomal position chr5: 180043465 (hg19). This p.Arg1041Trp missense variant has been previously reported as likely pathogenic in association with hereditary lymphedema (Variant ID:692043) and several other variants at the same amino acid position, including p.Arg1041Gln, p.Arg1041Gly and p.Arg1041Pro, have also been reported in primary lymphoedema patients in the Human Gene Mutation Database (HGMD). This variant is rare as it is not reported in the gnomAD population sequencing project.

Blueprint Genetics
Classification: Pathogenic for FLT4-related disorders. Last evaluated: 2018-12-19. Review status: criteria provided, single submitter. Criteria: ACMG Guidelines, 2015. Collection method: clinical testing. Allele origin: germline. Affected: yes. Observed: 2 variant alleles.

Rady Children's Institute for Genomic Medicine, Rady Children's Hospital San Diego
Classification: Likely pathogenic for LYMPHEDEMA, HEREDITARY, IA. Last evaluated: 2018-07-18. Review status: criteria provided, single submitter. Criteria: ACMG Guidelines, 2015. Collection method: clinical testing. Allele origin: germline. Affected: yes. Observed: 1 variant allele.
Comment: This variant has been previously reported in individuals with hereditary lymphedema (OMIM: 153100; PMID: 12960217). Additionally, different amino acid substitutions at the same codon have been identified in affected individuals with hereditary lymphedema, suggesting it could be a hot spot mutation (PMID: 24167460, 10835628, 12960217). This variant is absent from ExAC and gnomAD population databases, and thus is presumed to be rare. The c.3121C>T (p.Arg1041Trp) variant affects a highly conserved amino acid and is predicted by multiple in silico tools to have a deleterious effect on protein function. Based on the available evidence, the c.3121C>T (p.Arg1041Trp) variant is classified as likely pathogenic.

Literature cited by the submitters: PubMed 33027564 (cited by Victorian Clinical Genetics Services, Murdoch Childrens Research Institute); PubMed 30582441 (cited by Victorian Clinical Genetics Services, Murdoch Childrens Research Institute); PubMed 34681005 (cited by Victorian Clinical Genetics Services, Murdoch Childrens Research Institute); PubMed 30232381 (cited by Victorian Clinical Genetics Services, Murdoch Childrens Research Institute); PubMed 20301417 (cited by Victorian Clinical Genetics Services, Murdoch Childrens Research Institute); PubMed 17250670 (cited by Victorian Clinical Genetics Services, Murdoch Childrens Research Institute); PubMed 24167460 (cited by Victorian Clinical Genetics Services, Murdoch Childrens Research Institute); PubMed 12960217 (cited by Victorian Clinical Genetics Services, Murdoch Childrens Research Institute); PubMed 31564432 (cited by Victorian Clinical Genetics Services, Murdoch Childrens Research Institute).

NM_182925.5(FLT4):c.3121C>T (p.Arg1041Trp)

Gene: FLT4 (fms related receptor tyrosine kinase 4; minus strand). Cytogenetic location: 5q35.3.
Variant type: single nucleotide variant.
Coding change: c.3121C>T on transcript NM_182925.5 (MANE Select); coding-DNA position 3121, C replaced by T.
Protein change: p.Arg1041Trp; replaces arginine 1041 with tryptophan.
Molecular consequence: missense variant.
Genome position (GRCh38, 1-based): chr5:180,616,465, G>A on the plus strand (C>T on the coding strand, the complement: FLT4 is on the minus strand). VCF-style: chr5-180616465-G-A. GRCh37 (hg19) VCF-style: chr5-180043465-G-A.
Other names: c.3121C>T, p.Arg1041Trp (NM_001354989.2, NM_002020.5); short protein forms R1041W.
Identifiers: ClinVar variation 692043 (VCV000692043.10), dbSNP rs1451816005, ClinGen allele CA362500582.
Genomic context (GRCh38, chr5:180,616,465, plus strand): 5'-CCCGGGCAAGGCCAAAGTCACAGATCTTCACCACGTCGCTTTCCGACAGCAGAATGTTCC[G>A]AGCAGCCAGGTCTCTGTGGATGCACTGGGGTGCGGGGAGGCGGCAGGGGGGCTGTCAGTG-3'
Protein context (NP_891555.2, residues 1031-1051): RKCIHRDLAA[Arg1041Trp]NILLSESDVV